The following is an entry in ClinVar:

ClinVar aggregate classification (germline): Uncertain significance. Review status: criteria provided, multiple submitters, no conflicts (2 of 4 stars). 3 submissions from 3 submitters: Uncertain significance (2). 1 of the submissions does not count toward it. Last evaluated 2025-12-24.

Conditions:
Cardiovascular phenotype. Identifiers: MedGen CN230736.
Duchenne muscular dystrophy (DMD). Also called: Duchenne Muscular Dystrophy (DMD); MUSCULAR DYSTROPHY, PSEUDOHYPERTROPHIC PROGRESSIVE, DUCHENNE TYPE. Identifiers: Orphanet 98896, MedGen C0013264, MONDO:0010679, OMIM 310200.
Cardiomyopathy (CMYO). Also called: Cardiomyopathies. Identifiers: Orphanet 167848, MedGen C0878544, MONDO:0004994, HP:0001638. Inheritance: Various modes of inheritance.
Dystrophin deficiency.
Becker muscular dystrophy (BMD). Also called: MUSCULAR DYSTROPHY, PSEUDOHYPERTROPHIC PROGRESSIVE, BECKER TYPE; Becker Muscular Dystrophy (BMD). Identifiers: Orphanet 98895, MedGen C0917713, MONDO:0010311, OMIM 300376.

Allele frequency attached by ClinVar (database versions not stated): gnomAD exomes below 0.00001 and 0.00001; ExAC 0.00001; gnomAD 0.00001; TOPMed 0.00001.
gnomAD v4.1: 3 of 1,209,314 alleles (0.00025%); highest among the groups gnomAD compares: Admixed American, 0.0022%; no homozygotes.

Submissions (3):

Ambry Genetics
Classification: Uncertain significance for Cardiovascular phenotype. Last evaluated: 2025-12-24. Review status: criteria provided, single submitter. Criteria: Ambry Variant Classification Scheme 2023. Collection method: clinical testing. Allele origin: germline.

Labcorp Genetics (formerly Invitae), Labcorp
Classification: Uncertain significance for Duchenne muscular dystrophy. Last evaluated: 2022-07-05. Review status: criteria provided, single submitter. Criteria: Invitae Variant Classification Sherloc (09022015). Collection method: clinical testing. Allele origin: germline.
Comment: This sequence change replaces tryptophan, which is neutral and slightly polar, with cysteine, which is neutral and slightly polar, at codon 2915 of the DMD protein (p.Trp2915Cys). This variant is present in population databases (rs761750882, gnomAD no frequency). This variant has not been reported in the literature in individuals affected with DMD-related conditions. ClinVar contains an entry for this variant (Variation ID: 946689). Algorithms developed to predict the effect of missense changes on protein structure and function (SIFT, PolyPhen-2, Align-GVGD) all suggest that this variant is likely to be disruptive. In summary, the available evidence is currently insufficient to determine the role of this variant in disease. Therefore, it has been classified as a Variant of Uncertain Significance.

Natera, Inc.
Classification: Uncertain significance for Becker muscular dystrophy; Cardiomyopathy; Duchenne muscular dystrophy; Dystrophin deficiency. Last evaluated: 2018-11-23. Review status: no assertion criteria provided. Collection method: clinical testing. Allele origin: germline. Not counted in ClinVar's aggregate classification.

NM_004006.3(DMD):c.8745G>T (p.Trp2915Cys)

Gene: DMD (dystrophin; minus strand). Cytogenetic location: Xp21.2.
Variant type: single nucleotide variant.
Coding change: c.8745G>T on transcript NM_004006.3 (MANE Select); coding-DNA position 8745, G replaced by T.
Protein change: p.Trp2915Cys; replaces tryptophan 2915 with cysteine.
Molecular consequence: missense variant.
Genome position (GRCh38, 1-based): chrX:31,478,298, C>A on the plus strand (G>T on the coding strand, the complement: DMD is on the minus strand). VCF-style: chrX-31478298-C-A. GRCh37 (hg19) VCF-style: chrX-31496415-C-A.
Other names: c.8721G>T, p.Trp2907Cys (NM_000109.4); c.8733G>T, p.Trp2911Cys (NM_004009.3); c.8376G>T, p.Trp2792Cys (NM_004010.3); c.4722G>T, p.Trp1574Cys (NM_004011.4); c.4713G>T, p.Trp1571Cys (NM_004012.4); c.1365G>T, p.Trp455Cys (NM_004013.3, NM_004020.4, NM_004021.3 and 2 more transcripts); c.558G>T, p.Trp186Cys (NM_004014.3); short protein forms W2915C, W1571C, W186C, W1574C, W455C, W2792C, W2907C, W2911C.
Identifiers: ClinVar variation 946689 (VCV000946689.11), dbSNP rs761750882, ClinGen allele CA10377994.